The following is an entry in ClinVar:

ClinVar aggregate classification (germline): Pathogenic (1 of 4 stars; one submission).

Conditions:
Facioscapulohumeral muscular dystrophy 2 (FSHD2). Also called: MUSCULAR DYSTROPHY, FACIOSCAPULOHUMERAL, TYPE 1B; FACIOSCAPULOHUMERAL MUSCULAR DYSTROPHY 2, DIGENIC; FSHD2, DIGENIC. Identifiers: Orphanet 269, MedGen C1834671, MONDO:0008031, OMIM 158901.

Submission:

Labcorp Genetics (formerly Invitae), Labcorp
Classification: Pathogenic for Facioscapulohumeral muscular dystrophy 2. Last evaluated: 2021-08-05. Review status: criteria provided, single submitter. Criteria: Invitae Variant Classification Sherloc (09022015). Collection method: clinical testing. Allele origin: germline.
Comment: For these reasons, this variant has been classified as Pathogenic. This variant has not been reported in the literature in individuals affected with SMCHD1-related conditions. This variant is not present in population databases (ExAC no frequency). This sequence change creates a premature translational stop signal (p.Arg1246*) in the SMCHD1 gene. It is expected to result in an absent or disrupted protein product. Loss-of-function variants in SMCHD1 are known to be pathogenic (PMID: 23143600).

Literature cited by the submitters: PubMed 23143600.

NM_015295.3(SMCHD1):c.3736C>T (p.Arg1246Ter)

Gene: SMCHD1 (structural maintenance of chromosomes flexible hinge domain containing 1; plus strand). Cytogenetic location: 18p11.32.
Variant type: single nucleotide variant.
Coding change: c.3736C>T on transcript NM_015295.3 (MANE Select); coding-DNA position 3736, C replaced by T.
Protein change: p.Arg1246Ter; replaces arginine 1246 with a stop codon.
Molecular consequence: nonsense.
Genome position (GRCh38, 1-based): chr18:2,743,863, C>T. VCF-style: chr18-2743863-C-T. GRCh37 (hg19) VCF-style: chr18-2743861-C-T.
Other names: short protein forms R1246*.
Identifiers: ClinVar variation 1451574 (VCV001451574.6), dbSNP rs924153704, ClinGen allele CA401689619.